The following is an entry in ClinVar:

NM_001377540.1(SLMAP):c.999G>T (p.Gln333His)

Gene: SLMAP (sarcolemma associated protein; plus strand). Cytogenetic location: 3p14.3.
Variant type: single nucleotide variant.
Coding change: c.999G>T on transcript NM_001377540.1 (MANE Select); coding-DNA position 999, G replaced by T.
Protein change: p.Gln333His; replaces glutamine 333 with histidine.
Molecular consequence: missense variant. On other transcripts: non-coding transcript variant (1).
Genome position (GRCh38, 1-based): chr3:57,864,580, G>T. VCF-style: chr3-57864580-G-T. GRCh37 (hg19) VCF-style: chr3-57850307-G-T.
Other names: c.999G>T, p.Gln333His (NM_001304420.3, NM_001304421.2, NM_001377538.1 and 17 more transcripts); short protein forms Q333H.
Identifiers: ClinVar variation 4731646 (VCV004731646.1).

ClinVar aggregate classification (germline): Uncertain significance (1 of 4 stars; one submission).

Conditions:
Brugada syndrome. Also called: Sudden Unexplained Death Syndrome; Sudden Unexplained Nocturnal Death Syndrome (SUNDS); Sudden unexpected nocturnal death syndrome; Sudden unexplained nocturnal death syndrome. Identifiers: Orphanet 130, MedGen C1142166, MONDO:0015263.

Submission:

Labcorp Genetics (formerly Invitae), Labcorp
Classification: Uncertain significance for Brugada syndrome. Last evaluated: 2025-11-21. Review status: criteria provided, single submitter. Criteria: Invitae Variant Classification Sherloc (09022015). Collection method: clinical testing. Allele origin: germline.
Comment: This sequence change replaces glutamine, which is neutral and polar, with histidine, which is basic and polar, at codon 333 of the SLMAP protein (p.Gln333His). This variant is not present in population databases (gnomAD no frequency). This variant has not been reported in the literature in individuals affected with SLMAP-related conditions. An algorithm developed to predict the effect of missense changes on protein structure and function (PolyPhen-2) suggests that this variant is likely to be disruptive. In summary, the available evidence is currently insufficient to determine the role of this variant in disease. Therefore, it has been classified as a Variant of Uncertain Significance.